The following is an entry in ClinVar:

ClinVar aggregate classification (germline): Uncertain significance (1 of 4 stars; one submission).

Submission:

Labcorp Genetics (formerly Invitae), Labcorp
Classification: Uncertain significance. Last evaluated: 2021-04-14. Review status: criteria provided, single submitter. Criteria: Invitae Variant Classification Sherloc (09022015). Collection method: clinical testing. Allele origin: germline.
Comment: This sequence change creates a premature translational stop signal (p.Gly234Alafs*7) in the MYO18B gene. It is expected to result in an absent or disrupted protein product. However, the current clinical and genetic evidence is not sufficient to establish whether loss-of-function variants in MYO18B cause disease. This variant is not present in population databases (ExAC no frequency). This variant has not been reported in the literature in individuals with MYO18B-related conditions. In summary, the available evidence is currently insufficient to determine the role of this variant in disease. Therefore, it has been classified as a Variant of Uncertain Significance.

NM_032608.7(MYO18B):c.699del (p.Gly234fs)

Gene: MYO18B (myosin XVIIIB; plus strand). Cytogenetic location: 22q12.1.
Variant type: Deletion.
Coding change: c.699del on transcript NM_032608.7 (MANE Select); coding-DNA position 699, one base deleted (A; older notation c.699delA).
Protein change: p.Gly234fs; shifts the reading frame from glycine 234.
Molecular consequence: frameshift variant.
Genome position (GRCh38, 1-based): chr22:25,768,615, A deleted; the last of 6 consecutive A bases (chr22:25,768,610-25,768,615); deleting any one gives the same sequence. VCF-style (leftmost placement, unchanged base first): chr22-25768609-GA-G. GRCh37 (hg19) VCF-style: chr22-26164576-GA-G.
Other names: c.699del, p.Gly234fs (NM_001318245.2); short protein forms G234fs.
Identifiers: ClinVar variation 1345442 (VCV001345442.1), dbSNP rs983593929, ClinGen allele CA322779155.